The following is an entry in ClinVar:

NM_004006.3(DMD):c.3196G>A (p.Glu1066Lys)

Gene: DMD (dystrophin; minus strand). Cytogenetic location: Xp21.1.
Variant type: single nucleotide variant.
Coding change: c.3196G>A on transcript NM_004006.3 (MANE Select); coding-DNA position 3196, G replaced by A.
Protein change: p.Glu1066Lys; replaces glutamic acid 1066 with lysine.
Molecular consequence: missense variant.
Genome position (GRCh38, 1-based): chrX:32,464,666, C>T on the plus strand (G>A on the coding strand, the complement: DMD is on the minus strand). VCF-style: chrX-32464666-C-T. GRCh37 (hg19) VCF-style: chrX-32482783-C-T.
Other names: c.3172G>A, p.Glu1058Lys (NM_000109.4); c.3184G>A, p.Glu1062Lys (NM_004009.3); c.2827G>A, p.Glu943Lys (NM_004010.3); short protein forms E1066K, E1058K, E943K, E1062K.
Identifiers: ClinVar variation 2071198 (VCV002071198.4), dbSNP rs2148427987, ClinGen allele CA412665053.
Genomic context (GRCh38, chrX:32,464,666, plus strand): 5'-TTTTTAGAATTTCTGAATCCCCAAGGGCAGGCCATTCCTCCTTCAGAAAAACATCAACTT[C>T]AGCCATCCATTTCTTCAGGGTTTGTATGTGATTCTGAAACGAGACCCGTTATAAGGCATT-3'
Protein context (NP_003997.2, residues 1056-1076): HIQTLKKWMA[Glu1066Lys]VDVFLKEEWP

ClinVar aggregate classification (germline): Uncertain significance (1 of 4 stars; one submission).

Conditions:
Duchenne muscular dystrophy (DMD). Also called: MUSCULAR DYSTROPHY, PSEUDOHYPERTROPHIC PROGRESSIVE, DUCHENNE TYPE; Duchenne Muscular Dystrophy (DMD). Identifiers: Orphanet 98896, MedGen C0013264, MONDO:0010679, OMIM 310200.

Submission:

Labcorp Genetics (formerly Invitae), Labcorp
Classification: Uncertain significance for Duchenne muscular dystrophy. Last evaluated: 2025-10-19. Review status: criteria provided, single submitter. Criteria: Invitae Variant Classification Sherloc (09022015). Collection method: clinical testing. Allele origin: germline.
Comment: This sequence change replaces glutamic acid, which is acidic and polar, with lysine, which is basic and polar, at codon 1066 of the DMD protein (p.Glu1066Lys). This variant is not present in population databases (gnomAD no frequency). This variant has not been reported in the literature in individuals affected with DMD-related conditions. ClinVar contains an entry for this variant (Variation ID: 2071198). Invitae Evidence Modeling of protein sequence and biophysical properties (such as structural, functional, and spatial information, amino acid conservation, physicochemical variation, residue mobility, and thermodynamic stability) indicates that this missense variant is not expected to disrupt DMD protein function with a negative predictive value of 95%. In summary, the available evidence is currently insufficient to determine the role of this variant in disease. Therefore, it has been classified as a Variant of Uncertain Significance.